The following is an entry in ClinVar:

NM_018896.5(CACNA1G):c.6109C>T (p.Arg2037Trp)

Gene: CACNA1G (calcium voltage-gated channel subunit alpha1 G; plus strand). Cytogenetic location: 17q21.33.
Variant type: single nucleotide variant.
Coding change: c.6109C>T on transcript NM_018896.5 (MANE Select); coding-DNA position 6109, C replaced by T.
Protein change: p.Arg2037Trp; replaces arginine 2037 with tryptophan.
Molecular consequence: missense variant. On other transcripts: non-coding transcript variant (5).
Genome position (GRCh38, 1-based): chr17:50,623,955, C>T. VCF-style: chr17-50623955-C-T. GRCh37 (hg19) VCF-style: chr17-48701316-C-T.
Other names: c.5920C>T, p.Arg1974Trp (NM_001256324.2); c.5851C>T, p.Arg1951Trp (NM_001256325.2); c.5839C>T, p.Arg1947Trp (NM_001256326.2); c.5809C>T, p.Arg1937Trp (NM_001256327.2); c.5755C>T, p.Arg1919Trp (NM_001256328.2); c.5728C>T, p.Arg1910Trp (NM_001256329.2, NM_198376.3, NM_198387.3); c.5695C>T, p.Arg1899Trp (NM_001256330.2); c.5674C>T, p.Arg1892Trp (NM_001256331.2); and 16 more; short protein forms R1887W, R1892W, R1899W, R1903W, R1906W, R1908W, R1910W, R1917W.
Identifiers: ClinVar variation 1806321 (VCV001806321.5), dbSNP rs780132660, ClinGen allele CA8653583.

ClinVar aggregate classification (germline): Uncertain significance. Review status: criteria provided, multiple submitters, no conflicts (2 of 4 stars). 2 submissions from 2 submitters: Uncertain significance (2). Last evaluated 2022-11-07.

Conditions:
Inborn genetic diseases. Identifiers: MedGen C0950123, MeSH D030342.
Spinocerebellar ataxia type 42. Identifiers: Orphanet 458803, MedGen C4225205, MONDO:0014776, OMIM 616795.

Allele frequency attached by ClinVar (database versions not stated): ExAC 0.00002; gnomAD 0.00002; TOPMed 0.00002.
gnomAD v4.1: 21 of 1,613,190 alleles (0.0013%); highest among the groups gnomAD compares: African/African-American, 0.0027%; no homozygotes.

Submissions (2):

Ambry Genetics
Classification: Uncertain significance for Inborn genetic diseases. Last evaluated: 2022-11-07. Review status: criteria provided, single submitter. Criteria: Ambry Variant Classification Scheme 2023. Collection method: clinical testing. Allele origin: germline.

Victorian Clinical Genetics Services, Murdoch Childrens Research Institute
Classification: Uncertain significance for Spinocerebellar ataxia type 42. Last evaluated: 2020-10-15. Review status: criteria provided, single submitter. Criteria: ACMG Guidelines, 2015. Collection method: clinical testing. Allele origin: germline. Inheritance: Autosomal dominant inheritance.
Comment: Based on the classification scheme VCGS_Germline_v1.3.3, this variant is classified as VUS-3C. Following criteria are met: 0101 - Gain of function is a known mechanism of disease in this gene and is associated with developmental delay with early onset epileptic encephalopathy (PMID: 32878331, PMID: 32736238). Spinocerebellar ataxia 42 (MIM#) and severe, early-onset spinocerebellar ataxia 42, with neurodevelopmental deficits (MIM#), have been associated to a loss of function mechanism, however more evidence is required to establish this (PMID: 29878067). (I) 0107 - This gene is associated with autosomal dominant disease. (I) 0200 - Variant is predicted to result in a missense amino acid change from arginine to tryptophan. (I) 0251 - This variant is heterozygous. (I) 0302 - Variant is present in gnomAD (v2) <0.001 for a dominant condition (6 heterozygotes, 0 homozygotes). (SP) 0309 - An alternative amino acid change at the same position has been observed in gnomAD (v2) (6 heterozygotes, 0 homozygotes). (I) 0504 - Same amino acid change has been observed in placental mammals. (SB) 0604 - Variant is not located in an established domain, motif, hotspot or informative constraint region. (I) 0705 - No comparable missense variants have previous evidence for pathogenicity. (I) 0807 - This variant has no previous evidence of pathogenicity. (I) 0905 - No published segregation evidence has been identified for this variant. (I) 1007 - No published functional evidence has been identified for this variant. (I) 1208 - Inheritance information for this variant is not currently available in this individual. (I) Legend: (SP) - Supporting pathogenic, (I) - Information, (SB) - Supporting benign

Literature cited by the submitters: PubMed 29878067 (cited by Victorian Clinical Genetics Services, Murdoch Childrens Research Institute); PubMed 32736238 (cited by Victorian Clinical Genetics Services, Murdoch Childrens Research Institute); PubMed 32878331 (cited by Victorian Clinical Genetics Services, Murdoch Childrens Research Institute).